The following is an entry in ClinVar:

NM_024642.5(GALNT12):c.398A>G (p.Asp133Gly)

Gene: GALNT12 (polypeptide N-acetylgalactosaminyltransferase 12; plus strand). Cytogenetic location: 9q22.33.
Variant type: single nucleotide variant.
Coding change: c.398A>G on transcript NM_024642.5 (MANE Select); coding-DNA position 398, A replaced by G.
Protein change: p.Asp133Gly; replaces aspartic acid 133 with glycine.
Molecular consequence: missense variant.
Genome position (GRCh38, 1-based): chr9:98,823,282, A>G. VCF-style: chr9-98823282-A-G. GRCh37 (hg19) VCF-style: chr9-101585564-A-G.
Other names: short protein forms D133G.
Identifiers: ClinVar variation 940167 (VCV000940167.12), dbSNP rs1835786603, ClinGen allele CA374216544.
Genomic context (GRCh38, chr9:98,823,282, plus strand): 5'-ATCCTGAGTTCCTGAAGTTCCGCTGTATTTGCAGGTGCAAAGAGAAGAAATATGATTATG[A>G]TAATTTGCCCAGGACATCTGTTATCATAGCATTTTATAATGAAGCCTGGTCAACTCTCCT-3'
Protein context (NP_078918.3, residues 123-143): PLCKEKKYDY[Asp133Gly]NLPRTSVIIA

ClinVar aggregate classification (germline): Uncertain significance. Review status: criteria provided, multiple submitters, no conflicts (2 of 4 stars). 3 submissions from 3 submitters: Uncertain significance (3). Last evaluated 2023-07-07.

Allele frequency attached by ClinVar (database versions not stated): gnomAD exomes below 0.00001.

Submissions (3):

Quest Diagnostics Nichols Institute San Juan Capistrano
Classification: Uncertain significance. Last evaluated: 2023-07-07. Review status: criteria provided, single submitter. Criteria: Quest Diagnostics criteria. Collection method: clinical testing. Allele origin: unknown.
Comment: This variant has not been reported in individuals with GALNT12-related conditions in the published literature. It also has not been reported in large, multi-ethnic general populations (Genome Aggregation Database). Analysis of this variant using bioinformatics tools for the prediction of the effect of amino acid changes on protein structure and function yielded predictions that this variant is benign. Additional analysis using software algorithms for the prediction of the effect of nucleotide changes on GALNT12 mRNA splicing yielded predictions that this variant may result in the gain of a cryptic splice site without affecting the natural splice sites . Based on the available information, we are unable to determine the clinical significance of this variant.

Ambry Genetics
Classification: Uncertain significance. Last evaluated: 2023-06-18. Review status: criteria provided, single submitter. Criteria: Ambry Variant Classification Scheme 2023. Collection method: clinical testing. Allele origin: germline.
Comment: The p.D133G variant (also known as c.398A>G), located in coding exon 2 of the GALNT12 gene, results from an A to G substitution at nucleotide position 398. The aspartic acid at codon 133 is replaced by glycine, an amino acid with similar properties. This amino acid position is conserved. In addition, this alteration is predicted to be tolerated by in silico analysis. Since supporting evidence is limited at this time, the clinical significance of this alteration remains unclear.

Labcorp Genetics (formerly Invitae), Labcorp
Classification: Uncertain significance. Last evaluated: 2019-09-09. Review status: criteria provided, single submitter. Criteria: Invitae Variant Classification Sherloc (09022015). Collection method: clinical testing. Allele origin: germline.
Comment: This sequence change replaces aspartic acid with glycine at codon 133 of the GALNT12 protein (p.Asp133Gly). The aspartic acid residue is weakly conserved and there is a moderate physicochemical difference between aspartic acid and glycine. This variant is not present in population databases (ExAC no frequency). This variant has not been reported in the literature in individuals with GALNT12-related conditions. Algorithms developed to predict the effect of missense changes on protein structure and function (SIFT, PolyPhen-2, Align-GVGD) all suggest that this variant is likely to be tolerated, but these predictions have not been confirmed by published functional studies and their clinical significance is uncertain. Algorithms developed to predict the effect of sequence changes on RNA splicing suggest that this variant may create or strengthen a splice site, but this prediction has not been confirmed by published transcriptional studies. In summary, the available evidence is currently insufficient to determine the role of this variant in disease. Therefore, it has been classified as a Variant of Uncertain Significance.